The following is an entry in ClinVar:

ClinVar aggregate classification (germline): Likely benign (1 of 4 stars; one submission).

Conditions:
Lynch syndrome 5 (LYNCH5). Also called: Colorectal cancer, hereditary nonpolyposis, type 5; Hereditary non-polyposis colorectal cancer, type 5. Identifiers: Orphanet 144, MedGen C1833477, MONDO:0013710, OMIM 614350. Disease mechanism: loss of function.

Submission:

Myriad Genetics, Inc.
Classification: Likely benign for Lynch syndrome 5. Last evaluated: 2025-01-06. Review status: criteria provided, single submitter. Criteria: Myriad Autosomal Dominant, Autosomal Recessive and X-Linked Classification Criteria (2023). Collection method: clinical testing. Allele origin: unknown.
Comment: This variant is considered likely benign. This variant is intronic and is not expected to impact mRNA splicing.

NM_000179.3(MSH6):c.3439-17del

Gene: MSH6 (mutS homolog 6; plus strand). Cytogenetic location: 2p16.3.
Variant type: Deletion.
Coding change: c.3439-17del on transcript NM_000179.3 (MANE Select); 17 bases into the intron before coding-DNA position 3439, one base deleted (T; older notation c.3439-17delT).
Molecular consequence: intron variant.
Genome position (GRCh38, 1-based): chr2:47,804,893, T deleted; the last of 4 consecutive T bases (chr2:47,804,890-47,804,893); deleting any one gives the same sequence. VCF-style (leftmost placement, unchanged base first): chr2-47804889-CT-C. GRCh37 (hg19) VCF-style: chr2-48032028-CT-C.
Other names: c.3439-17del (NM_001406809.1, NM_001406796.1, NM_001406808.1 and 1 more transcripts); c.2533-17del (NM_001406811.1, NM_001406814.1, NM_001281493.2 and 6 more transcripts); c.3142-17del (NM_001406805.1, NM_001406797.1, NM_001406801.1 and 10 more transcripts); c.3535-17del (NM_001406795.1, NM_001406802.1); c.3445-17del (NM_001406813.1); c.2914-17del (NM_001406807.1, NM_001406799.1, NM_001406806.1); c.3265-17del (NM_001406798.1); c.2575-17del (NM_001406803.1); and 7 more.
Identifiers: ClinVar variation 3904547 (VCV003904547.1).
Genomic context (GRCh38, chr2:47,804,889, plus strand): 5'-CGTAAGGGTTCATAAGAAAGACAAAAGTTTATGAAACTGTTACTACCAGTCATAAAAGAC[CT>C]TTTCCTCCCTCATTCACAGGCTGGCTTATTAGCTGTAATGGCCCAGATGGGTTGTTACGT-3'